The following is an entry in ClinVar:

NM_001267550.2(TTN):c.6846T>A (p.Tyr2282Ter)

Genes: TTN (titin; minus strand), LOC126806433 (BRD4-independent group 4 enhancer GRCh37_chr2:179638309-179639508; plus strand). Cytogenetic location: 2q31.2.
Variant type: single nucleotide variant.
Coding change: c.6846T>A on transcript NM_001267550.2 (MANE Select); coding-DNA position 6846, T replaced by A.
Protein change: p.Tyr2282Ter; replaces tyrosine 2282 with a stop codon.
Molecular consequence: nonsense.
Genome position (GRCh38, 1-based): chr2:178,774,418, A>T on the plus strand (T>A on the coding strand, the complement: TTN is on the minus strand). VCF-style: chr2-178774418-A-T. GRCh37 (hg19) VCF-style: chr2-179639145-A-T.
Other names: c.6846T>A, p.Tyr2282Ter (NM_001256850.1, NM_133378.4, NM_133379.5); c.6708T>A, p.Tyr2236Ter (NM_003319.4, NM_133432.3, NM_133437.4); short protein forms Y2282*, Y2236*.
Identifiers: ClinVar variation 2922345 (VCV002922345.3), dbSNP rs1397187132, ClinGen allele CA349681698.

ClinVar aggregate classification (germline): Likely pathogenic (1 of 4 stars; one submission).

Conditions:
Dilated cardiomyopathy 1G (CMD1G). Identifiers: Orphanet 154, MedGen C1858763, MONDO:0011400, OMIM 604145.
Autosomal recessive limb-girdle muscular dystrophy type 2J (LGMDR10). Also called: Limb-girdle muscular dystrophy, type 2J; MUSCULAR DYSTROPHY, LIMB-GIRDLE, AUTOSOMAL RECESSIVE 10. Identifiers: Orphanet 140922, MedGen C1837342, MONDO:0012127, OMIM 608807.

Submission:

Labcorp Genetics (formerly Invitae), Labcorp
Classification: Likely pathogenic for Dilated cardiomyopathy 1G; Autosomal recessive limb-girdle muscular dystrophy type 2J. Last evaluated: 2024-01-31. Review status: criteria provided, single submitter. Criteria: Invitae Variant Classification Sherloc (09022015). Collection method: clinical testing. Allele origin: germline.
Comment: This sequence change creates a premature translational stop signal (p.Tyr2282*) in the TTN gene. While this is not anticipated to result in nonsense mediated decay, it is expected to create a truncated TTN protein. This variant is not present in population databases (gnomAD no frequency). This variant has not been reported in the literature in individuals affected with TTN-related conditions. This variant is located in the I band of TTN (PMID: 25589632). Non-truncating variants in this region may be clinically relevant, but have not been definitively shown to cause cardiomyopathy or neuromuscular disease (PMID: 27493940, 32778822). In summary, the currently available evidence indicates that the variant is pathogenic, but additional data are needed to prove that conclusively. Therefore, this variant has been classified as Likely Pathogenic.

Literature cited by the submitters: PubMed 25589632; PubMed 27493940; PubMed 32778822.